The following is an entry in ClinVar:

NM_001846.4(COL4A2):c.*76T>C

Gene: COL4A2 (collagen type IV alpha 2 chain; plus strand). Cytogenetic location: 13q34.
Variant type: single nucleotide variant.
Coding change: c.*76T>C on transcript NM_001846.4 (MANE Select); 76 bases downstream of the stop codon, T replaced by C.
Molecular consequence: 3 prime UTR variant.
Genome position (GRCh38, 1-based): chr13:110,512,267, T>C. VCF-style: chr13-110512267-T-C. GRCh37 (hg19) VCF-style: chr13-111164614-T-C.
Identifiers: ClinVar variation 311200 (VCV000311200.8), dbSNP rs422733, ClinGen allele CA10639026.
Genomic context (GRCh38, chr13:110,512,267, plus strand): 5'-GAAGGGCCATTTTGGTGCTTATTCTTAACTTATTACCTCAGGTGCCAACCCAAAAATTGG[T>C]TTTATTTTTTTCTTAAAAAAAAAAAAGTCTACCAAAGGAATTTGCATCCAGCAGCAGCAC-3'

ClinVar aggregate classification (germline): Benign. Review status: criteria provided, multiple submitters, no conflicts (2 of 4 stars). 3 submissions from 3 submitters: Benign (3). Last evaluated 2019-08-16.

Conditions:
Brain small vessel disease 2A, autosomal dominant. Also called: Porencephaly 2. Identifiers: Orphanet 2940, Orphanet 99810, MedGen C3280970, MONDO:0013773, OMIM 614483.

Allele frequency attached by ClinVar (database versions not stated): 1000 Genomes Project 0.46625; 1000 Genomes Project 30x 0.47236; gnomAD 0.54785 and 0.55467; TOPMed 0.55633; gnomAD exomes 0.56147.
gnomAD v4.1: 827,195 of 1,477,380 alleles (56%); highest among the groups gnomAD compares: Middle Eastern, 59%; 234,439 homozygotes.

Submissions (3):

GeneDx
Classification: Benign. Last evaluated: 2019-08-16. Review status: criteria provided, single submitter. Criteria: GeneDx Variant Classification Process June 2021. Collection method: clinical testing. Allele origin: germline. Affected: yes.

Illumina Laboratory Services, Illumina
Classification: Benign for Brain small vessel disease 2A, autosomal dominant. Last evaluated: 2018-01-13. Review status: criteria provided, single submitter. Criteria: ICSL Variant Classification Criteria 13 December 2019. Collection method: clinical testing. Allele origin: germline.
Comment: This variant was observed in the ICSL laboratory as part of a predisposition screen in an ostensibly healthy population. It had not been previously curated by ICSL or reported in the Human Gene Mutation Database (HGMD: prior to June 1st, 2018), and was therefore a candidate for classification through an automated scoring system. Utilizing variant allele frequency, disease prevalence and penetrance estimates, and inheritance mode, an automated score was calculated to assess if this variant is too frequent to cause the disease. Based on the score and internal cut-off values, a variant classified as benign is not then subjected to further curation. The score for this variant resulted in a classification of benign for this disease.

Breakthrough Genomics
Classification: Benign. Review status: criteria provided, single submitter. Criteria: ACMG Guidelines, 2015. Collection method: not provided. Allele origin: germline. Inheritance: Autosomal dominant inheritance. Affected: yes.